The following is an entry in ClinVar:

NM_000059.4(BRCA2):c.4912A>G (p.Lys1638Glu)

Gene: BRCA2 (BRCA2 DNA repair associated; plus strand). Cytogenetic location: 13q13.1.
Variant type: single nucleotide variant.
Coding change: c.4912A>G on transcript NM_000059.4 (MANE Select); coding-DNA position 4912, A replaced by G.
Protein change: p.Lys1638Glu; replaces lysine 1638 with glutamic acid.
Molecular consequence: missense variant.
Genome position (GRCh38, 1-based): chr13:32,339,267, A>G. VCF-style: chr13-32339267-A-G. GRCh37 (hg19) VCF-style: chr13-32913404-A-G.
Other names: short protein forms K1638E.
Identifiers: ClinVar variation 629511 (VCV000629511.8), dbSNP rs886040553, ClinGen allele CA387783594.

ClinVar aggregate classification (germline): Conflicting classifications of pathogenicity. Review status: criteria provided, conflicting classifications (1 of 4 stars). 3 submissions from 3 submitters: Uncertain significance (2); Likely benign (1). Last evaluated 2023-11-23.

Conditions:
Hereditary cancer-predisposing syndrome. Also called: Neoplastic Syndromes, Hereditary; Tumor predisposition; Hereditary neoplastic syndrome; Hereditary Cancer Syndrome. Identifiers: Orphanet 140162, MedGen C0027672, MeSH D009386, MONDO:0015356.
Hereditary breast ovarian cancer syndrome. Also called: Hereditary breast and ovarian cancer syndrome; Hereditary breast and ovarian cancer; Hereditary breast and ovarian cancer syndrome (HBOC); Breast and ovarian cancer; Hereditary breast and/or ovarian cancer syndrome; BRCA1- and BRCA2-Associated Hereditary Breast and Ovarian Cancer. Identifiers: Orphanet 145, MedGen C0677776, MeSH D061325, MONDO:0003582. Disease mechanism: loss of function.

Allele frequency attached by ClinVar (database versions not stated): gnomAD exomes below 0.00001.
gnomAD v4.1: 2 of 1,610,704 alleles (0.00012%); highest among the groups gnomAD compares: South Asian, 0.0011%; no homozygotes.

Submissions (3):

Labcorp Genetics (formerly Invitae), Labcorp
Classification: Uncertain significance for Hereditary breast ovarian cancer syndrome. Last evaluated: 2023-11-23. Review status: criteria provided, single submitter. Criteria: Invitae Variant Classification Sherloc (09022015). Collection method: clinical testing. Allele origin: germline.
Comment: This sequence change replaces lysine, which is basic and polar, with glutamic acid, which is acidic and polar, at codon 1638 of the BRCA2 protein (p.Lys1638Glu). This variant is not present in population databases (gnomAD no frequency). This variant has not been reported in the literature in individuals affected with BRCA2-related conditions. ClinVar contains an entry for this variant (Variation ID: 629511). Advanced modeling of protein sequence and biophysical properties (such as structural, functional, and spatial information, amino acid conservation, physicochemical variation, residue mobility, and thermodynamic stability) performed at Invitae indicates that this missense variant is not expected to disrupt BRCA2 protein function with a negative predictive value of 95%. In summary, the available evidence is currently insufficient to determine the role of this variant in disease. Therefore, it has been classified as a Variant of Uncertain Significance.

University of Washington Department of Laboratory Medicine, University of Washington
Classification: Likely benign for Hereditary cancer-predisposing syndrome. Last evaluated: 2023-03-23. Review status: criteria provided, single submitter. Criteria: Dines et al. (Genet Med. 2020). Collection method: curation. Allele origin: germline.
Comment: Missense variant in a coldspot region where missense variants are very unlikely to be pathogenic (PMID:31911673).

BRCA2 exon 11 coldspot. Reclassification based on statistical prior probability.

Color Diagnostics, LLC DBA Color Health
Classification: Uncertain significance for Hereditary cancer-predisposing syndrome. Last evaluated: 2019-05-16. Review status: criteria provided, single submitter. Criteria: ACMG Guidelines, 2015. Collection method: clinical testing. Allele origin: germline.